The following is an entry in ClinVar:

ClinVar aggregate classification (germline): Uncertain significance (1 of 4 stars; one submission).

Conditions:
Methylmalonic acidemia with homocystinuria, type cblJ (MAHCJ). Also called: METHYLMALONIC ACIDURIA AND HOMOCYSTINURIA, cblJ TYPE. Identifiers: Orphanet 369955, MedGen C3553915, MONDO:0013925, OMIM 614857.

Submission:

Labcorp Genetics (formerly Invitae), Labcorp
Classification: Uncertain significance for Methylmalonic acidemia with homocystinuria, type cblJ. Last evaluated: 2019-07-16. Review status: criteria provided, single submitter. Criteria: Invitae Variant Classification Sherloc (09022015). Collection method: clinical testing. Allele origin: germline.
Comment: This variant is not present in population databases (ExAC no frequency). This sequence change falls in intron 16 of the ABCD4 gene. It does not directly change the encoded amino acid sequence of the ABCD4 protein, but it affects a nucleotide within the consensus splice site of the intron. This variant has not been reported in the literature in individuals with ABCD4-related conditions. Nucleotide substitutions within the consensus splice site are a relatively common cause of aberrant splicing (PMID: 17576681, 9536098). Algorithms developed to predict the effect of sequence changes on RNA splicing suggest that this variant is not likely to affect RNA splicing, but this prediction has not been confirmed by published transcriptional studies. In summary, the available evidence is currently insufficient to determine the role of this variant in disease. Therefore, it has been classified as a Variant of Uncertain Significance.

Literature cited by the submitters: PubMed 17576681; PubMed 9536098.

NM_005050.4(ABCD4):c.1559+7_1559+11del

Gene: ABCD4 (ATP binding cassette subfamily D member 4; minus strand). Cytogenetic location: 14q24.3.
Variant type: Deletion.
Coding change: c.1559+7_1559+11del on transcript NM_005050.4 (MANE Select); bases 7 to 11 of the intron after coding-DNA position 1559, 5 bases deleted (AAAGA; older notation c.1559+7_1559+11delAAAGA).
Molecular consequence: intron variant.
Genome position (GRCh38, 1-based): chr14:74,288,196-74,288,200, TCTTT deleted on the plus strand (AAAGA on the coding strand, the reverse complement: ABCD4 is on the minus strand); deleting any 5 consecutive bases within chr14:74,288,196-74,288,204 gives the same sequence; the c. name uses the placement nearest the transcript's 3' end. VCF-style (leftmost placement, unchanged base first): chr14-74288195-CTCTTT-C. GRCh37 (hg19) VCF-style: chr14-74754898-CTCTTT-C.
Other names: c.770+7_770+11del (NM_001353607.2, NM_001353604.2, NM_001353603.2 and 5 more transcripts); c.1082+7_1082+11del (NM_001353598.2, NM_001353601.2, NM_001353600.2 and 2 more transcripts); c.1247+7_1247+11del (NM_001353594.2); c.1298+7_1298+11del (NM_001353593.2); c.1094+7_1094+11del (NM_001353597.2); c.1145+7_1145+11del (NM_001353596.2, NM_001353595.2); c.1433+7_1433+11del (NM_001353591.2, NM_001353592.2); c.826+7_826+11del (NM_001353610.2); and 1 more.
Identifiers: ClinVar variation 936016 (VCV000936016.9), dbSNP rs1381694360, ClinGen allele CA615039828.